The following is an entry in ClinVar:

ClinVar aggregate classification (germline): Uncertain significance. Review status: criteria provided, multiple submitters, no conflicts (2 of 4 stars). 2 submissions from 2 submitters: Uncertain significance (2). Last evaluated 2024-11-05.

Conditions:
Hereditary cancer-predisposing syndrome. Also called: Neoplastic Syndromes, Hereditary; Hereditary neoplastic syndrome; Hereditary Cancer Syndrome; Tumor predisposition. Identifiers: Orphanet 140162, MedGen C0027672, MeSH D009386, MONDO:0015356.
Gorlin syndrome. Also called: Nevoid Basal Cell Carcinoma Syndrome; Basal cell nevus syndrome. Identifiers: Orphanet 377, MedGen C0004779, MONDO:0007187.

Submissions (2):

Ambry Genetics
Classification: Uncertain significance for Hereditary cancer-predisposing syndrome. Last evaluated: 2024-11-05. Review status: criteria provided, single submitter. Criteria: Ambry Variant Classification Scheme 2023. Collection method: clinical testing. Allele origin: germline.
Comment: The c.3804+2dupT intronic variant, which is located downstream of coding exon 22 in the PTCH1 gene, results from a duplication of one nucleotide at nucleotide position c.3804+2. This nucleotide position is highly conserved in available vertebrate species. In silico splice site analysis for this alteration is inconclusive. RNA studies have demonstrated that this alteration results in a splice defect; however, the clinical impact of this abnormal splicing is unknown at this time (Ambry internal data). Since supporting evidence is limited at this time, the clinical significance of this alteration remains unclear.

Labcorp Genetics (formerly Invitae), Labcorp
Classification: Uncertain significance for Gorlin syndrome. Last evaluated: 2019-04-25. Review status: criteria provided, single submitter. Criteria: Invitae Variant Classification Sherloc (09022015). Collection method: clinical testing. Allele origin: germline.
Comment: This sequence change falls in intron 22 of the PTCH1 gene. It does not directly change the encoded amino acid sequence of the PTCH1 protein, but it affects a nucleotide within the consensus splice site of the intron. This variant is not present in population databases (ExAC no frequency). This variant has not been reported in the literature in individuals with PTCH1-related disease. Nucleotide substitutions within the consensus splice site are a relatively common cause of aberrant splicing (PMID: 17576681, 9536098). Algorithms developed to predict the effect of sequence changes on RNA splicing suggest that this variant may disrupt the consensus splice site, but this prediction has not been confirmed by published transcriptional studies. In summary, the available evidence is currently insufficient to determine the role of this variant in disease. Therefore, it has been classified as a Variant of Uncertain Significance.

Literature cited by the submitters: PubMed 17576681 (cited by Labcorp Genetics (formerly Invitae), Labcorp); PubMed 9536098 (cited by Labcorp Genetics (formerly Invitae), Labcorp).

NM_000264.5(PTCH1):c.3804+2dup

Gene: PTCH1 (patched 1; minus strand). Cytogenetic location: 9q22.32.
Variant type: Duplication.
Coding change: c.3804+2dup on transcript NM_000264.5 (MANE Select); the canonical splice donor site of the intron after coding-DNA position 3804, one base duplicated (T; older notation c.3804+2dupT).
Molecular consequence: splice donor variant.
Genome position (GRCh38, 1-based): chr9:95,449,067, A duplicated on the plus strand (T on the coding strand, the reverse complement: PTCH1 is on the minus strand). VCF-style (leftmost placement, unchanged base first): chr9-95449066-T-TA. GRCh37 (hg19) VCF-style: chr9-98211348-T-TA.
Other names: c.3804+2dupT (NM_000264.3); c.3801+2dup (NM_001083603.3); c.3606+2dup (NM_001083602.3); c.3648+2dup (NM_001354918.2); c.3351+2dup (NM_001083605.3, NM_001083604.3, NM_001083606.3 and 1 more transcripts).
Identifiers: ClinVar variation 655162 (VCV000655162.13), dbSNP rs1588516590, ClinGen allele CA915947068.